The following is an entry in ClinVar:

ClinVar aggregate classification (germline): Likely benign. Review status: criteria provided, multiple submitters, no conflicts (2 of 4 stars). 5 submissions from 5 submitters: Likely benign (4). 1 of the submissions does not count toward it. Last evaluated 2025-09-19.

Conditions:
ELMOD3-related disorder. Also called: ELMOD3-related condition.

Allele frequency attached by ClinVar (database versions not stated): gnomAD 0.00021 and 0.00038; gnomAD exomes 0.00022 and 0.00059; TOPMed 0.00041; ExAC 0.00057; 1000 Genomes Project 30x 0.00125; 1000 Genomes Project 0.00160; ESP Exome Variant Server 0.00008.
gnomAD v4.1: 406 of 1,609,722 alleles (0.025%); highest among the groups gnomAD compares: East Asian, 0.49%; 1 homozygote.

Submissions (5):

Labcorp Genetics (formerly Invitae), Labcorp
Classification: Likely benign. Last evaluated: 2025-09-19. Review status: criteria provided, single submitter. Criteria: Invitae Variant Classification Sherloc (09022015). Collection method: clinical testing. Allele origin: germline.

Blueprint Genetics
Classification: Likely benign. Last evaluated: 2024-09-30. Review status: criteria provided, single submitter. Criteria: ACMG Guidelines, 2015. Collection method: clinical testing. Allele origin: germline.

GeneDx
Classification: Likely benign. Last evaluated: 2020-12-30. Review status: criteria provided, single submitter. Criteria: GeneDx Variant Classification Process June 2021. Collection method: clinical testing. Allele origin: germline. Affected: yes.

Eurofins Ntd Llc (ga)
Classification: Likely benign. Last evaluated: 2017-03-23. Review status: criteria provided, single submitter. Criteria: EGL Classification Definitions 2015. Collection method: clinical testing. Allele origin: germline. Observed: 1 variant allele, 1 heterozygote.

PreventionGenetics, part of Exact Sciences
Classification: Likely benign for ELMOD3-related condition. Last evaluated: 2019-08-20. Review status: no assertion criteria provided. Collection method: clinical testing. Allele origin: germline. Not counted in ClinVar's aggregate classification.
Comment: This variant is classified as likely benign based on ACMG/AMP sequence variant interpretation guidelines (Richards et al. 2015 PMID: 25741868, with internal and published modifications).

NM_001135022.2(ELMOD3):c.706G>A (p.Glu236Lys)

Gene: ELMOD3 (ELMO domain containing 3; plus strand). Cytogenetic location: 2p11.2.
Variant type: single nucleotide variant.
Coding change: c.706G>A on transcript NM_001135022.2 (MANE Select); coding-DNA position 706, G replaced by A.
Protein change: p.Glu236Lys; replaces glutamic acid 236 with lysine.
Molecular consequence: missense variant. On other transcripts: non-coding transcript variant (3).
Genome position (GRCh38, 1-based): chr2:85,377,442, G>A. VCF-style: chr2-85377442-G-A. GRCh37 (hg19) VCF-style: chr2-85604565-G-A.
Other names: c.706G>A, p.Glu236Lys (NM_001135021.2, NM_001135023.2, NM_001329791.2 and 2 more transcripts); c.706G>A (NM_001135021.1); short protein forms E236K.
Identifiers: ClinVar variation 500138 (VCV000500138.18), dbSNP rs75956808, ClinGen allele CA1740436.